The following is an entry in ClinVar:

NM_000143.4(FH):c.1514A>C (p.Asp505Ala)

Gene: FH (fumarate hydratase; minus strand). Cytogenetic location: 1q43.
Variant type: single nucleotide variant.
Coding change: c.1514A>C on transcript NM_000143.4 (MANE Select); coding-DNA position 1514, A replaced by C.
Protein change: p.Asp505Ala; replaces aspartic acid 505 with alanine.
Molecular consequence: missense variant.
Genome position (GRCh38, 1-based): chr1:241,497,847, T>G on the plus strand (A>C on the coding strand, the complement: FH is on the minus strand). VCF-style: chr1-241497847-T-G. GRCh37 (hg19) VCF-style: chr1-241661147-T-G.
Other names: short protein forms D505A.
Identifiers: ClinVar variation 5021772 (VCV005021772.1).

ClinVar aggregate classification (germline): Uncertain significance (1 of 4 stars; one submission).

Conditions:
Hereditary cancer-predisposing syndrome. Also called: Neoplastic Syndromes, Hereditary; Tumor predisposition; Hereditary neoplastic syndrome; Hereditary Cancer Syndrome. Identifiers: Orphanet 140162, MedGen C0027672, MeSH D009386, MONDO:0015356.

Submission:

Ambry Genetics
Classification: Uncertain significance for Hereditary cancer-predisposing syndrome. Last evaluated: 2026-07-28. Review status: criteria provided, single submitter. Criteria: Ambry Variant Classification Scheme 2023. Collection method: clinical testing. Allele origin: germline.
Comment: The p.D505A variant (also known as c.1514A>C), located in coding exon 10 of the FH gene, results from an A to C substitution at nucleotide position 1514. The aspartic acid at codon 505 is replaced by alanine, an amino acid with dissimilar properties. This amino acid position is conserved. In addition, the in silico prediction for this alteration is inconclusive. Based on the available evidence, the clinical significance of this variant remains unclear.